The following is an entry in ClinVar:

ClinVar aggregate classification (germline): Uncertain significance (1 of 4 stars; one submission).

Conditions:
Muscular dystrophy-dystroglycanopathy (congenital with impaired intellectual development), type B, 14. Also called: Congenital muscular dystrophy-dystroglycanopathy with mental retardation, type B14; Muscular dystrophy-dystroglycanopathy (congenital with intellectual disability), type B14; MUSCULAR DYSTROPHY, CONGENITAL, GMPPB-RELATED. Identifiers: MedGen C3809221, MONDO:0014141, OMIM 615351.
Autosomal recessive limb-girdle muscular dystrophy type 2T. Also called: MUSCULAR DYSTROPHY-DYSTROGLYCANOPATHY, LIMB-GIRDLE, GMPPB-RELATED; MUSCULAR DYSTROPHY, LIMB-GIRDLE, TYPE 2T; Muscular dystrophy-dystroglycanopathy (limb-girdle), type c, 14; Limb-girdle muscular dystrophy-dystroglycanopathy, type C14. Identifiers: Orphanet 363623, MedGen C4518000, MONDO:0014142, OMIM 615352.
Muscular dystrophy-dystroglycanopathy (congenital with brain and eye anomalies), type A14. Also called: Congenital muscular dystrophy-dystroglycanopathy with brain and eye anomalies, type A14; WALKER-WARBURG SYNDROME OR MUSCLE-EYE-BRAIN DISEASE, GMPPB-RELATED; Muscular dystrophy-dystroglycanopathy (congenital with brain and eye anomalies), type a, 14; Congenital Muscular Dystrophy-Dystroglycanopathy with Brain and Eye Anomalies Type A 14. Identifiers: Orphanet 588, MedGen C3809216, MONDO:0014140, OMIM 615350.

Allele frequency attached by ClinVar (database versions not stated): ExAC 0.00001; gnomAD exomes below 0.00001.
gnomAD v4.1: 2 of 1,614,216 alleles (0.00012%); highest among the groups gnomAD compares: Non-Finnish European, 0.00017%; no homozygotes.

Submission:

Labcorp Genetics (formerly Invitae), Labcorp
Classification: Uncertain significance for Autosomal recessive limb-girdle muscular dystrophy type 2T; Muscular dystrophy-dystroglycanopathy (congenital with brain and eye anomalies), type A14; Muscular dystrophy-dystroglycanopathy (congenital with impaired intellectual development), type B, 14. Last evaluated: 2022-02-03. Review status: criteria provided, single submitter. Criteria: Invitae Variant Classification Sherloc (09022015). Collection method: clinical testing. Allele origin: germline.
Comment: In summary, the available evidence is currently insufficient to determine the role of this variant in disease. Therefore, it has been classified as a Variant of Uncertain Significance. Algorithms developed to predict the effect of missense changes on protein structure and function are either unavailable or do not agree on the potential impact of this missense change (SIFT: "Deleterious"; PolyPhen-2: "Benign"; Align-GVGD: "Class C0"). This variant has not been reported in the literature in individuals affected with GMPPB-related conditions. This variant is present in population databases (rs781132109, gnomAD 0.0009%). This sequence change replaces leucine, which is neutral and non-polar, with proline, which is neutral and non-polar, at codon 188 of the GMPPB protein (p.Leu188Pro).

NM_021971.4(GMPPB):c.563T>C (p.Leu188Pro)

Gene: GMPPB (GDP-mannose pyrophosphorylase B; minus strand). Cytogenetic location: 3p21.31.
Variant type: single nucleotide variant.
Coding change: c.563T>C on transcript NM_021971.4 (MANE Select); coding-DNA position 563, T replaced by C.
Protein change: p.Leu188Pro; replaces leucine 188 with proline.
Molecular consequence: missense variant.
Genome position (GRCh38, 1-based): chr3:49,722,509, A>G on the plus strand (T>C on the coding strand, the complement: GMPPB is on the minus strand). VCF-style: chr3-49722509-A-G. GRCh37 (hg19) VCF-style: chr3-49759942-A-G.
Other names: c.563T>C, p.Leu188Pro (NM_013334.4); short protein forms L188P.
Identifiers: ClinVar variation 1518403 (VCV001518403.8), dbSNP rs781132109, ClinGen allele CA2405507.